The following is an entry in ClinVar:

ClinVar aggregate classification (germline): Pathogenic (1 of 4 stars; one submission).

Submission:

Quest Diagnostics Nichols Institute San Juan Capistrano
Classification: Pathogenic. Last evaluated: 2024-09-24. Review status: criteria provided, single submitter. Criteria: ACMG/ClinGen CNV Guidelines, 2019. Collection method: clinical testing. Allele origin: unknown.
Comment: This triplication involves at least 51 protein-coding genes. Similarly sized duplications and triplications have been reported in multiple patients with various phenotypic features (Ceccarini 2007, Firth 2009, Nguyen-Minh 2013). Although copy number gains of this interval have not yet been definitively associated with a specific clinical phenotype, based on current medical literature and gene count, this CNV is classified as pathogenic. References: Ceccarini et al., Am J Med Genet A. 2007 Feb 15;143(4):343-8. PMID: 17256793 Firth et al., Am J Hum Genet. 2009 Apr;84(4):524-33. PMID: 19344873 Nguyen-Minh et al., Gene. 2013 Jul 1;523(1):92-8. PMID: 23566840

GRCh37/hg19 18q21.2-22.2(chr18:52640210-68070259)x4

Genes: SERPINB4 (serpin family B member 4; minus strand), SERPINB5 (serpin family B member 5; plus strand), SERPINB7 (serpin family B member 7; plus strand), SERPINB8 (serpin family B member 8; plus strand), SOCS6 (suppressor of cytokine signaling 6; plus strand) and 49 more. Cytogenetic location: 18q21.2-22.2.
Variant type: copy number gain.
Change: copy number 4 of chr18:52,640,210-68,070,259 (15.43 Mb, GRCh37 coordinates, 1-based), cytogenetic band 18q21.2-22.2.
Identifiers: ClinVar variation 4682936 (VCV004682936.1).